The following is an entry in ClinVar:

ClinVar aggregate classification (germline): Uncertain significance (1 of 4 stars; one submission).

Conditions:
VPS13B-related disorder. Also called: VPS13B-related condition.

Submission:

PreventionGenetics, part of Exact Sciences
Classification: Uncertain significance for VPS13B-related condition. Last evaluated: 2025-07-24. Review status: criteria provided, single submitter. Criteria: ACMG Guidelines, 2015. Collection method: clinical testing. Allele origin: germline.
Comment: The VPS13B c.4270T>C variant is predicted to result in the amino acid substitution p.Phe1424Leu. To our knowledge, this variant has not been reported in the literature or in a large population database (gnomAD), indicating this variant is rare. At this time, the clinical significance of this variant is uncertain due to the absence of conclusive functional and genetic evidence.

NM_017890.5(VPS13B):c.4270T>C (p.Phe1424Leu)

Gene: VPS13B (vacuolar protein sorting 13 homolog B; plus strand). Cytogenetic location: 8q22.2.
Variant type: single nucleotide variant.
Coding change: c.4270T>C on transcript NM_017890.5 (MANE Plus Clinical); coding-DNA position 4270, T replaced by C.
Protein change: p.Phe1424Leu; replaces phenylalanine 1424 with leucine.
Molecular consequence: missense variant. On other transcripts: intron variant (1).
Genome position (GRCh38, 1-based): chr8:99,507,882, T>C. VCF-style: chr8-99507882-T-C. GRCh37 (hg19) VCF-style: chr8-100520110-T-C.
Other names: c.4224+679T>C (NM_152564.5); short protein forms F1424L.
Identifiers: ClinVar variation 4988207 (VCV004988207.1).